The following is an entry in ClinVar:

ClinVar aggregate classification (germline): Uncertain significance. Review status: criteria provided, multiple submitters, no conflicts (2 of 4 stars). 2 submissions from 2 submitters: Uncertain significance (2). Last evaluated 2025-12-11.

Conditions:
Cardiovascular phenotype. Identifiers: MedGen CN230736.
DiGeorge syndrome. Also called: Catch22; THIRD AND FOURTH PHARYNGEAL POUCH SYNDROME. Identifiers: Orphanet 567, MedGen C0012236, MONDO:0008564, OMIM 188400.

gnomAD v4.1: 2 of 1,612,894 alleles (0.00012%); highest among the groups gnomAD compares: Non-Finnish European, 0.000085%; no homozygotes.

Submissions (2):

Ambry Genetics
Classification: Uncertain significance for Cardiovascular phenotype. Last evaluated: 2025-12-11. Review status: criteria provided, single submitter. Criteria: Ambry Variant Classification Scheme 2023. Collection method: clinical testing. Allele origin: germline.

Labcorp Genetics (formerly Invitae), Labcorp
Classification: Uncertain significance for DiGeorge syndrome. Last evaluated: 2025-03-31. Review status: criteria provided, single submitter. Criteria: Invitae Variant Classification Sherloc (09022015). Collection method: clinical testing. Allele origin: germline.
Comment: This sequence change replaces alanine, which is neutral and non-polar, with valine, which is neutral and non-polar, at codon 188 of the TBX1 protein (p.Ala188Val). This variant is not present in population databases (gnomAD no frequency). This variant has not been reported in the literature in individuals affected with TBX1-related conditions. Invitae Evidence Modeling of protein sequence and biophysical properties (such as structural, functional, and spatial information, amino acid conservation, physicochemical variation, residue mobility, and thermodynamic stability) indicates that this missense variant is not expected to disrupt TBX1 protein function with a negative predictive value of 80%. In summary, the available evidence is currently insufficient to determine the role of this variant in disease. Therefore, it has been classified as a Variant of Uncertain Significance.

NM_001379200.1(TBX1):c.590C>T (p.Ala197Val)

Gene: TBX1 (T-box transcription factor 1; plus strand). Cytogenetic location: 22q11.21.
Variant type: single nucleotide variant.
Coding change: c.590C>T on transcript NM_001379200.1 (MANE Select); coding-DNA position 590, C replaced by T.
Protein change: p.Ala197Val; replaces alanine 197 with valine.
Molecular consequence: missense variant.
Genome position (GRCh38, 1-based): chr22:19,764,205, C>T. VCF-style: chr22-19764205-C-T. GRCh37 (hg19) VCF-style: chr22-19751728-C-T.
Other names: c.563C>T, p.Ala188Val (NM_005992.1, NM_080646.2, NM_080647.1); short protein forms A197V, A188V.
Identifiers: ClinVar variation 4615066 (VCV004615066.2).
Genomic context (GRCh38, chr22:19,764,205, plus strand): 5'-GCCGCTCCAGGTACGCCTTCCACAGCTCCTCCTGGCTGGTGGCGGGGAAGGCCGACCCTG[C>T]CACGCCAGGCCGCGTGCACTACCACCCGGACTCGCCTGCCAAGGGCGCGCAGTGGATGAA-3'
Protein context (NP_001366129.1, residues 187-207): SWLVAGKADP[Ala197Val]TPGRVHYHPD